The following is an entry in ClinVar:

ClinVar aggregate classification (germline): Uncertain significance. Review status: criteria provided, multiple submitters, no conflicts (2 of 4 stars). 6 submissions from 6 submitters: Uncertain significance (6). Last evaluated 2025-12-30.

Conditions:
Dyskeratosis congenita, autosomal dominant 2. Identifiers: MedGen C3151443, MONDO:0013521, OMIM 613989.
Idiopathic Pulmonary Fibrosis. Also called: Idiopathic fibrosing alveolitis, chronic form; idiopathic fibrosing alveolitis. Identifiers: Orphanet 2032, MedGen C1800706, MeSH D054990, MONDO:0800504.
Melanoma, cutaneous malignant, susceptibility to, 9. Also called: Cutaneous malignant melanoma 9. Identifiers: Orphanet 618, MedGen C3554574, MONDO:0014056, OMIM 615134.
Acute myeloid leukemia (AML). Also called: Leukemia, acute myeloid, somatic; Leukemia, acute myelogenous, somatic; Acute myeloid leukemia, adult; AML adult; Acute non-lymphocytic leukemia; Acute granulocytic leukemia. Identifiers: Orphanet 519, MedGen C0023467, MeSH D015470, MONDO:0018874, OMIM 601626, HP:0004808. Disease mechanism: Constitutively activated FLT3.
Pulmonary fibrosis and/or bone marrow failure, Telomere-related, 1. Also called: PULMONARY FIBROSIS AND/OR BONE MARROW FAILURE SYNDROME, TELOMERE-RELATED, 1. Identifiers: Orphanet 88, MedGen C3553617, MONDO:0013878, OMIM 614742.
Dyskeratosis congenita. Identifiers: Orphanet 1775, MedGen C0265965, MONDO:0015780.

Allele frequency attached by ClinVar (database versions not stated): gnomAD 0.00003; TOPMed 0.00003; gnomAD exomes 0.00004; ExAC 0.00013.
gnomAD v4.1: 43 of 1,564,628 alleles (0.0027%); highest among the groups gnomAD compares: Non-Finnish European, 0.0021%; no homozygotes.

Submissions (6):

Labcorp Genetics (formerly Invitae), Labcorp
Classification: Uncertain significance for Dyskeratosis congenita, autosomal dominant 2; Idiopathic Pulmonary Fibrosis. Last evaluated: 2025-12-30. Review status: criteria provided, single submitter. Criteria: Invitae Variant Classification Sherloc (09022015). Collection method: clinical testing. Allele origin: germline.
Comment: This sequence change replaces arginine, which is basic and polar, with proline, which is neutral and non-polar, at codon 381 of the TERT protein (p.Arg381Pro). This variant is present in population databases (rs777343359, gnomAD 0.005%). This missense change has been observed in individual(s) with dyskeratosis congenita (PMID: 21931702). ClinVar contains an entry for this variant (Variation ID: 410679). Invitae Evidence Modeling of protein sequence and biophysical properties (such as structural, functional, and spatial information, amino acid conservation, physicochemical variation, residue mobility, and thermodynamic stability) indicates that this missense variant is expected to disrupt TERT protein function with a positive predictive value of 95%. Experimental studies have shown that this missense change affects TERT function (PMID: 21931702). In summary, the available evidence is currently insufficient to determine the role of this variant in disease. Therefore, it has been classified as a Variant of Uncertain Significance.

Department of Human Genetics, Hannover Medical School
Classification: Uncertain significance for Pulmonary fibrosis and/or bone marrow failure, Telomere-related, 1. Last evaluated: 2025-04-02. Review status: criteria provided, single submitter. Criteria: ACMG Guidelines, 2015. Collection method: clinical testing. Allele origin: germline. Affected: yes.
Comment: ACMG: PM2_Supporting, PP3

Ambry Genetics
Classification: Uncertain significance for Dyskeratosis congenita. Last evaluated: 2025-01-28. Review status: criteria provided, single submitter. Criteria: Ambry Variant Classification Scheme 2023. Collection method: clinical testing. Allele origin: germline.
Comment: The p.R381P variant (also known as c.1142G>C), located in coding exon 2 of the TERT gene, results from a G to C substitution at nucleotide position 1142. The arginine at codon 381 is replaced by proline, an amino acid with dissimilar properties. This amino acid position is well conserved in available vertebrate species. In addition, this alteration is predicted to be deleterious by in silico analysis. Based on the available evidence, the clinical significance of this variant remains unclear.

Blueprint Genetics
Classification: Uncertain significance. Last evaluated: 2024-05-29. Review status: criteria provided, single submitter. Criteria: ACMG Guidelines, 2015. Collection method: clinical testing. Allele origin: germline.

Fulgent Genetics
Classification: Uncertain significance for Acute myeloid leukemia; Dyskeratosis congenita, autosomal dominant 2; Pulmonary fibrosis and/or bone marrow failure, Telomere-related, 1; Melanoma, cutaneous malignant, susceptibility to, 9. Last evaluated: 2024-04-17. Review status: criteria provided, single submitter. Criteria: ACMG Guidelines, 2015. Collection method: clinical testing. Allele origin: germline.

Institute for Medical Genetics and Human Genetics, Charité - Universitätsmedizin Berlin
Classification: Uncertain significance for Dyskeratosis congenita, autosomal dominant 2. Review status: criteria provided, single submitter. Criteria: ACMG Guidelines, 2015. Collection method: not provided. Allele origin: germline. Affected: yes.

Literature cited by the submitters: PubMed 21931702 (cited by Labcorp Genetics (formerly Invitae), Labcorp).

NM_198253.3(TERT):c.1142G>C (p.Arg381Pro)

Gene: TERT (telomerase reverse transcriptase; minus strand). Cytogenetic location: 5p15.33.
Variant type: single nucleotide variant.
Coding change: c.1142G>C on transcript NM_198253.3 (MANE Select); coding-DNA position 1142, G replaced by C.
Protein change: p.Arg381Pro; replaces arginine 381 with proline.
Molecular consequence: missense variant. On other transcripts: non-coding transcript variant (2).
Genome position (GRCh38, 1-based): chr5:1,293,744, C>G on the plus strand (G>C on the coding strand, the complement: TERT is on the minus strand). VCF-style: chr5-1293744-C-G. GRCh37 (hg19) VCF-style: chr5-1293859-C-G.
Other names: c.1142G>C, p.Arg381Pro (NM_001193376.3); short protein forms R381P.
Identifiers: ClinVar variation 410679 (VCV000410679.16), dbSNP rs777343359, ClinGen allele CA3184871.